The following is an entry in ClinVar:

NM_000038.6(APC):c.1594C>G (p.Gln532Glu)

Gene: APC (APC regulator of Wnt signaling pathway; plus strand). Cytogenetic location: 5q22.2.
Variant type: single nucleotide variant.
Coding change: c.1594C>G on transcript NM_000038.6 (MANE Select); coding-DNA position 1594, C replaced by G.
Protein change: p.Gln532Glu; replaces glutamine 532 with glutamic acid.
Molecular consequence: missense variant.
Genome position (GRCh38, 1-based): chr5:112,827,974, C>G. VCF-style: chr5-112827974-C-G. GRCh37 (hg19) VCF-style: chr5-112163671-C-G.
Other names: c.1594C>G, p.Gln532Glu (NM_001127510.3, NM_001354895.2); c.1540C>G, p.Gln514Glu (NM_001127511.3); c.1648C>G, p.Gln550Glu (NM_001354896.2); c.1624C>G, p.Gln542Glu (NM_001354897.2); c.1519C>G, p.Gln507Glu (NM_001354898.2); c.1510C>G, p.Gln504Glu (NM_001354899.2); c.1471C>G, p.Gln491Glu (NM_001354900.2); c.1417C>G, p.Gln473Glu (NM_001354901.2); and 5 more; short protein forms Q514E, Q532E, Q431E, Q491E, Q406E, Q441E, Q504E, Q550E.
Identifiers: ClinVar variation 489417 (VCV000489417.19), dbSNP rs1554081901, ClinGen allele CA16024785.

ClinVar aggregate classification (germline): Uncertain significance. Review status: criteria provided, multiple submitters, no conflicts (2 of 4 stars). 3 submissions from 3 submitters: Uncertain significance (3). Last evaluated 2025-08-04.

Conditions:
Familial adenomatous polyposis 1 (FAP1). Also called: POLYPOSIS, ADENOMATOUS INTESTINAL; FAMILIAL ADENOMATOUS POLYPOSIS 1, ATTENUATED. Identifiers: MedGen C2713442, MONDO:0021056, OMIM 175100. Disease mechanism: loss of function.
Hereditary cancer-predisposing syndrome. Also called: Hereditary Cancer Syndrome; Neoplastic Syndromes, Hereditary; Tumor predisposition; Hereditary neoplastic syndrome. Identifiers: Orphanet 140162, MedGen C0027672, MeSH D009386, MONDO:0015356.

Submissions (3):

Ambry Genetics
Classification: Uncertain significance for Hereditary cancer-predisposing syndrome. Last evaluated: 2025-08-04. Review status: criteria provided, single submitter. Criteria: Ambry Variant Classification Scheme 2023. Collection method: clinical testing. Allele origin: germline.
Comment: The p.Q532E variant (also known as c.1594C>G), located in coding exon 12 of the APC gene, results from a C to G substitution at nucleotide position 1594. The glutamine at codon 532 is replaced by glutamic acid, an amino acid with highly similar properties. This amino acid position is highly conserved in available vertebrate species. In addition, in silico predictors for this gene do not accurately predict pathogenicity. Missense alterations in APC are not a common cause of disease (Spier I et al. Genet Med. 2024 Feb;26(2):100992). Based on the available evidence, the clinical significance of this variant remains unclear.

Labcorp Genetics (formerly Invitae), Labcorp
Classification: Uncertain significance for Familial adenomatous polyposis 1. Last evaluated: 2023-04-27. Review status: criteria provided, single submitter. Criteria: Invitae Variant Classification Sherloc (09022015). Collection method: clinical testing. Allele origin: germline.
Comment: In summary, the available evidence is currently insufficient to determine the role of this variant in disease. Therefore, it has been classified as a Variant of Uncertain Significance. Advanced modeling of protein sequence and biophysical properties (such as structural, functional, and spatial information, amino acid conservation, physicochemical variation, residue mobility, and thermodynamic stability) performed at Invitae indicates that this missense variant is not expected to disrupt APC protein function. ClinVar contains an entry for this variant (Variation ID: 489417). This variant has not been reported in the literature in individuals affected with APC-related conditions. This variant is not present in population databases (gnomAD no frequency). This sequence change replaces glutamine, which is neutral and polar, with glutamic acid, which is acidic and polar, at codon 532 of the APC protein (p.Gln532Glu).

Color Diagnostics, LLC DBA Color Health
Classification: Uncertain significance for Hereditary cancer-predisposing syndrome. Last evaluated: 2019-01-03. Review status: criteria provided, single submitter. Criteria: ACMG Guidelines, 2015. Collection method: clinical testing. Allele origin: germline.